The following is an entry in ClinVar:

ClinVar aggregate classification (germline): Uncertain significance (1 of 4 stars; one submission).

Conditions:
Cardiovascular phenotype. Identifiers: MedGen CN230736.

Submission:

Ambry Genetics
Classification: Uncertain significance for Cardiovascular phenotype. Last evaluated: 2025-07-21. Review status: criteria provided, single submitter. Criteria: Ambry Variant Classification Scheme 2023. Collection method: clinical testing. Allele origin: germline.
Comment: The p.C234R variant (also known as c.700T>C), located in coding exon 7 of the ANKRD1 gene, results from a T to C substitution at nucleotide position 700. The cysteine at codon 234 is replaced by arginine, an amino acid with highly dissimilar properties. This amino acid position is conserved. In addition, this alteration is predicted to be deleterious by in silico analysis. Based on the available evidence, the clinical significance of this variant remains unclear.

NM_014391.3(ANKRD1):c.700T>C (p.Cys234Arg)

Gene: ANKRD1 (ankyrin repeat domain 1; minus strand). Cytogenetic location: 10q23.31.
Variant type: single nucleotide variant.
Coding change: c.700T>C on transcript NM_014391.3 (MANE Select); coding-DNA position 700, T replaced by C.
Protein change: p.Cys234Arg; replaces cysteine 234 with arginine.
Molecular consequence: missense variant.
Genome position (GRCh38, 1-based): chr10:90,915,832, A>G on the plus strand (T>C on the coding strand, the complement: ANKRD1 is on the minus strand). VCF-style: chr10-90915832-A-G. GRCh37 (hg19) VCF-style: chr10-92675589-A-G.
Other names: short protein forms C234R.
Identifiers: ClinVar variation 4100086 (VCV004100086.1).